The following is an entry in ClinVar:

ClinVar aggregate classification (germline): Likely benign (1 of 4 stars; one submission).

Submission:

CeGaT Center for Human Genetics Tuebingen
Classification: Likely benign. Last evaluated: 2024-12-01. Review status: criteria provided, single submitter. Criteria: CeGaT Center For Human Genetics Tuebingen Variant Classification Criteria Version 2. Collection method: clinical testing. Allele origin: germline. Affected: yes. Observed: 1 variant allele.
Comment: ZNF267: BP4, BP7

NM_003414.6(ZNF267):c.1968A>C (p.Gly656=)

Gene: ZNF267 (zinc finger protein 267; plus strand). Cytogenetic location: 16p11.2.
Variant type: single nucleotide variant.
Coding change: c.1968A>C on transcript NM_003414.6 (MANE Select); coding-DNA position 1968, A replaced by C.
Protein change: p.Gly656=; no amino-acid change (glycine 656 retained).
Molecular consequence: synonymous variant. On other transcripts: non-coding transcript variant (1).
Genome position (GRCh38, 1-based): chr16:31,916,217, A>C. VCF-style: chr16-31916217-A-C. GRCh37 (hg19) VCF-style: chr16-31927538-A-C.
Other names: c.1872A>C, p.Gly624= (NM_001265588.2).
Identifiers: ClinVar variation 3389368 (VCV003389368.14).
Genomic context (GRCh38, chr16:31,916,217, plus strand): 5'-ATGTGGCAAAGCCTTCAACTATAGGTCATACCTCACTACACATCAGAGAAGTCATACTGG[A>C]GAGAGACCCTACAAATGTGAAGAATGTGGCAAAGCCTTCAACTCTAGGTCATACCTCACT-3'
Protein context (NP_003405.4, residues 646-666): YLTTHQRSHT[Gly656=]ERPYKCEECG